The following is an entry in ClinVar:

ClinVar aggregate classification (germline): Likely benign. Review status: criteria provided, multiple submitters, no conflicts (2 of 4 stars). 2 submissions from 2 submitters: Likely benign (2). Last evaluated 2023-03-23.

Conditions:
Hereditary cancer-predisposing syndrome. Also called: Neoplastic Syndromes, Hereditary; Tumor predisposition; Hereditary Cancer Syndrome; Hereditary neoplastic syndrome. Identifiers: Orphanet 140162, MedGen C0027672, MeSH D009386, MONDO:0015356.

Allele frequency attached by ClinVar (database versions not stated): gnomAD exomes below 0.00001.
gnomAD v4.1: 1 of 1,614,124 alleles (0.000062%); highest among the groups gnomAD compares: Admixed American, 0.0017%; no homozygotes.

Submissions (2):

University of Washington Department of Laboratory Medicine, University of Washington
Classification: Likely benign for Hereditary cancer-predisposing syndrome. Last evaluated: 2023-03-23. Review status: criteria provided, single submitter. Criteria: Dines et al. (Genet Med. 2020). Collection method: curation. Allele origin: germline.
Comment: Missense variant in a coldspot region where missense variants are very unlikely to be pathogenic (PMID:31911673).

BRCA1 coldspot (exon 11 using historical exon numbering). Reclassification based on statistical prior probability

Ambry Genetics
Classification: Likely benign for Hereditary cancer-predisposing syndrome. Last evaluated: 2020-09-23. Review status: criteria provided, single submitter. Criteria: Ambry Variant Classification Scheme 2023. Collection method: clinical testing. Allele origin: germline.

NM_007294.4(BRCA1):c.3550G>A (p.Gly1184Arg)

Genes: BRCA1 (BRCA1 DNA repair associated; minus strand), LOC126862571 (BRD4-independent group 4 enhancer GRCh37_chr17:41243136-41244335; plus strand). Cytogenetic location: 17q21.31.
Variant type: single nucleotide variant.
Coding change: c.3550G>A on transcript NM_007294.4 (MANE Select); coding-DNA position 3550, G replaced by A.
Protein change: p.Gly1184Arg; replaces glycine 1184 with arginine.
Molecular consequence: missense variant. On other transcripts: intron variant (135).
Genome position (GRCh38, 1-based): chr17:43,091,981, C>T on the plus strand (G>A on the coding strand, the complement: BRCA1 is on the minus strand). VCF-style: chr17-43091981-C-T. GRCh37 (hg19) VCF-style: chr17-41243998-C-T.
Other names: c.578-949G>A (NM_001408489.1, NM_001408479.1, NM_001408481.1 and 9 more transcripts); c.662-949G>A (NM_001408445.1, NM_001408432.1, NM_001408446.1 and 6 more transcripts); c.668-949G>A (NM_001408431.1, NM_001408424.1, NM_001408421.1); c.785-949G>A (NM_001408407.1, NM_001408402.1, NM_001408473.1 and 13 more transcripts); c.665-949G>A (NM_001408443.1, NM_001408436.1, NM_001408444.1 and 12 more transcripts); c.3406G>A, p.Gly1136Arg (NM_001407743.1, NM_001407744.1, NM_001407745.1 and 20 more transcripts); c.3409G>A, p.Gly1137Arg (NM_001407750.1, NM_001407751.1, NM_001407752.1 and 29 more transcripts); c.3337G>A, p.Gly1113Arg (NM_001407853.1, NM_001407894.1, NM_001407895.1 and 9 more transcripts); and 41 more; short protein forms G1016R, G1095R, G1157R, G316R, G1056R, G1072R, G1096R, G1113R.
Identifiers: ClinVar variation 1732593 (VCV001732593.4), dbSNP rs1472194405, ClinGen allele CA10594866.